The following is an entry in ClinVar:

NM_138576.4(BCL11B):c.246C>T (p.Gly82=)

Gene: BCL11B (BCL11 transcription factor B; minus strand). Cytogenetic location: 14q32.2.
Variant type: single nucleotide variant.
Coding change: c.246C>T on transcript NM_138576.4 (MANE Select); coding-DNA position 246, C replaced by T.
Protein change: p.Gly82=; no amino-acid change (glycine 82 retained).
Molecular consequence: synonymous variant.
Genome position (GRCh38, 1-based): chr14:99,257,652, G>A on the plus strand (C>T on the coding strand, the complement: BCL11B is on the minus strand). VCF-style: chr14-99257652-G-A. GRCh37 (hg19) VCF-style: chr14-99723989-G-A.
Other names: c.243C>T, p.Gly81= (NM_001282237.2, NM_001282238.2); c.246C>T, p.Gly82= (NM_022898.3).
Identifiers: ClinVar variation 1127217 (VCV001127217.38), dbSNP rs144204410, ClinGen allele CA7339931.
Genomic context (GRCh38, chr14:99,257,652, plus strand): 5'-TGAGGAGGGTGGCGGGCTGTCCTTGTCCAGGGCCTTGTCATAGCAGGCACCCAAGCTGCC[G>A]CCACACTGCTTCCTTTTGTGCTCTATAAAAACCAGGATGTCCCCCAAGGGGAAGTTCATT-3'
Protein context (NP_612808.1, residues 72-92): VFIEHKRKQC[Gly82=]GSLGACYDKA

ClinVar aggregate classification (germline): Likely benign. Review status: criteria provided, multiple submitters, no conflicts (2 of 4 stars). 3 submissions from 3 submitters: Likely benign (3). Last evaluated 2025-10-29.

Allele frequency attached by ClinVar (database versions not stated): gnomAD exomes 0.00004 and 0.00006; ExAC 0.00006; gnomAD 0.00006 and 0.00007; ESP Exome Variant Server 0.00008; TOPMed 0.00008; 1000 Genomes Project 30x 0.00016; 1000 Genomes Project 0.00020.
gnomAD v4.1: 77 of 1,613,014 alleles (0.0048%); highest among the groups gnomAD compares: Middle Eastern, 0.033%; no homozygotes.

Submissions (3):

Labcorp Genetics (formerly Invitae), Labcorp
Classification: Likely benign. Last evaluated: 2025-10-29. Review status: criteria provided, single submitter. Criteria: Invitae Variant Classification Sherloc (09022015). Collection method: clinical testing. Allele origin: germline.

Blueprint Genetics
Classification: Likely benign. Last evaluated: 2023-10-12. Review status: criteria provided, single submitter. Criteria: ACMG Guidelines, 2015. Collection method: clinical testing. Allele origin: germline.

CeGaT Center for Human Genetics Tuebingen
Classification: Likely benign. Last evaluated: 2022-11-01. Review status: criteria provided, single submitter. Criteria: CeGaT Center For Human Genetics Tuebingen Variant Classification Criteria Version 2. Collection method: clinical testing. Allele origin: germline. Affected: yes. Observed: 1 variant allele.
Comment: BCL11B: BP4, BP7